The following is an entry in ClinVar:

ClinVar aggregate classification (germline): Conflicting classifications of pathogenicity. Review status: criteria provided, conflicting classifications (1 of 4 stars). 11 submissions from 10 submitters: Uncertain significance (9); Benign (1); Likely benign (1). Last evaluated 2025-05-12.

Conditions:
Inborn genetic diseases. Identifiers: MedGen C0950123, MeSH D030342.
Emery-Dreifuss muscular dystrophy 4, autosomal dominant (EDMD4). Also called: EMERY-DREIFUSS MUSCULAR DYSTROPHY 4 WITH VARIABLE FEATURES. Identifiers: Orphanet 261, MedGen C2751807, MONDO:0013071, OMIM 612998.
Autosomal recessive ataxia, Beauce type. Also called: SYNE1 Deficiency; SYNE1-Related Autosomal Recessive Cerebellar Ataxia; ATAXIA, RECESSIVE, OF BEAUCE; Spinocerebellar ataxia, autosomal recessive 8. Identifiers: Orphanet 88644, MedGen C1853116, MONDO:0012549, OMIM 610743.

Allele frequency attached by ClinVar (database versions not stated): 1000 Genomes Project 30x 0.00016; 1000 Genomes Project 0.00020; gnomAD exomes 0.00023 and 0.00029; ExAC 0.00026; ESP Exome Variant Server 0.00031; gnomAD 0.00040 and 0.00043; TOPMed 0.00050.
gnomAD v4.1: 476 of 1,614,066 alleles (0.029%); highest among the groups gnomAD compares: Admixed American, 0.073%; no homozygotes.

Submissions (11):

Athena Diagnostics
Classification: Uncertain significance. Last evaluated: 2025-05-12. Review status: criteria provided, single submitter. Criteria: Athena Diagnostics Criteria. Collection method: clinical testing. Allele origin: unknown.
Comment: Available data are insufficient to determine the clinical significance of the variant at this time. The frequency of this variant in the general population is higher than would generally be expected for pathogenic variants in this gene. Polyphen and MutationTaster predict this amino acid change may be benign.

Mayo Clinic Laboratories, Mayo Clinic
Classification: Uncertain significance. Last evaluated: 2024-02-22. Review status: criteria provided, single submitter. Criteria: ACMG Guidelines, 2015. Collection method: clinical testing. Allele origin: germline. Observed: 1 variant allele.
Comment: BP4, PM2_moderate

Women's Health and Genetics/Laboratory Corporation of America, LabCorp
Classification: Uncertain significance. Last evaluated: 2024-01-08. Review status: criteria provided, single submitter. Criteria: LabCorp Variant Classification Summary - May 2015. Collection method: clinical testing. Allele origin: germline.
Comment: Variant summary: SYNE1 c.20936G>A (p.Arg6979Gln) results in a conservative amino acid change in the encoded protein sequence. Five of five in-silico tools predict a benign effect of the variant on protein function. The variant allele was found at a frequency of 0.00023 in 251354 control chromosomes. To our knowledge, no occurrence of c.20936G>A in individuals affected with SYNE1-Related Disorders and no experimental evidence demonstrating its impact on protein function have been reported. ClinVar contains an entry for this variant (Variation ID: 287711. VUS, n=7; Benign, n=1). Based on the evidence outlined above, the variant was classified as uncertain significance.

Labcorp Genetics (formerly Invitae), Labcorp
Classification: Uncertain significance for Emery-Dreifuss muscular dystrophy 4, autosomal dominant; Autosomal recessive ataxia, Beauce type. Last evaluated: 2022-10-03. Review status: criteria provided, single submitter. Criteria: Invitae Variant Classification Sherloc (09022015). Collection method: clinical testing. Allele origin: germline.
Comment: This sequence change replaces arginine, which is basic and polar, with glutamine, which is neutral and polar, at codon 6979 of the SYNE1 protein (p.Arg6979Gln). This variant is present in population databases (rs143639400, gnomAD 0.04%). This variant has not been reported in the literature in individuals affected with SYNE1-related conditions. ClinVar contains an entry for this variant (Variation ID: 287711). Algorithms developed to predict the effect of missense changes on protein structure and function output the following: SIFT: "Tolerated"; PolyPhen-2: "Benign"; Align-GVGD: "Class C0". The glutamine amino acid residue is found in multiple mammalian species, which suggests that this missense change does not adversely affect protein function. In summary, the available evidence is currently insufficient to determine the role of this variant in disease. Therefore, it has been classified as a Variant of Uncertain Significance.

Ambry Genetics
Classification: Likely benign for Inborn genetic diseases. Last evaluated: 2021-08-30. Review status: criteria provided, single submitter. Criteria: Ambry Variant Classification Scheme 2023. Collection method: clinical testing. Allele origin: germline.

CeGaT Center for Human Genetics Tuebingen
Classification: Uncertain significance. Last evaluated: 2021-04-01. Review status: criteria provided, single submitter. Criteria: CeGaT Center For Human Genetics Tuebingen Variant Classification Criteria Version 2. Collection method: clinical testing. Allele origin: germline. Affected: yes. Observed: 1 variant allele.

GeneDx
Classification: Uncertain significance. Last evaluated: 2021-02-18. Review status: criteria provided, single submitter. Criteria: GeneDx Variant Classification Process June 2021. Collection method: clinical testing. Allele origin: germline. Affected: yes.
Comment: In silico analysis, which includes protein predictors and evolutionary conservation, supports that this variant does not alter protein structure/function; Has not been previously published as pathogenic or benign to our knowledge

Revvity Omics, Revvity
Classification: Uncertain significance. Last evaluated: 2020-11-23. Review status: criteria provided, single submitter. Criteria: ACMG Guidelines, 2015. Collection method: clinical testing. Allele origin: germline.

Illumina Laboratory Services, Illumina
Classification: Benign for Emery-Dreifuss muscular dystrophy 4, autosomal dominant. Last evaluated: 2018-01-12. Review status: criteria provided, single submitter. Criteria: ICSL Variant Classification Criteria 13 December 2019. Collection method: clinical testing. Allele origin: germline.
Comment: This variant was observed in the ICSL laboratory as part of a predisposition screen in an ostensibly healthy population. It had not been previously curated by ICSL or reported in the Human Gene Mutation Database (HGMD: prior to June 1st, 2018), and was therefore a candidate for classification through an automated scoring system. Utilizing variant allele frequency, disease prevalence and penetrance estimates, and inheritance mode, an automated score was calculated to assess if this variant is too frequent to cause the disease. Based on the score and internal cut-off values, a variant classified as benign is not then subjected to further curation. The score for this variant resulted in a classification of benign for this disease.

Illumina Laboratory Services, Illumina
Classification: Uncertain significance for Autosomal recessive ataxia, Beauce type. Last evaluated: 2018-01-12. Review status: criteria provided, single submitter. Criteria: ICSL Variant Classification Criteria 13 December 2019. Collection method: clinical testing. Allele origin: germline.

Eurofins Ntd Llc (ga)
Classification: Uncertain significance. Last evaluated: 2017-01-25. Review status: criteria provided, single submitter. Criteria: EGL Classification Definitions 2015. Collection method: clinical testing. Allele origin: germline. Observed: 3 variant alleles, 3 heterozygotes.

NM_182961.4(SYNE1):c.21149G>A (p.Arg7050Gln)

Gene: SYNE1 (spectrin repeat containing nuclear envelope protein 1; minus strand). Cytogenetic location: 6q25.2.
Variant type: single nucleotide variant.
Coding change: c.21149G>A on transcript NM_182961.4 (MANE Select); coding-DNA position 21149, G replaced by A.
Protein change: p.Arg7050Gln; replaces arginine 7050 with glutamine.
Molecular consequence: missense variant.
Genome position (GRCh38, 1-based): chr6:152,230,593, C>T on the plus strand (G>A on the coding strand, the complement: SYNE1 is on the minus strand). VCF-style: chr6-152230593-C-T. GRCh37 (hg19) VCF-style: chr6-152551728-C-T.
Other names: p.Arg6979Gln; c.20936G>A, p.Arg6979Gln (NM_033071.5); short protein forms R6979Q, R7050Q.
Identifiers: ClinVar variation 287711 (VCV000287711.58), dbSNP rs143639400, ClinGen allele CA4054245.